The following is an entry in ClinVar:

ClinVar aggregate classification (germline): Uncertain significance (1 of 4 stars; one submission).

Conditions:
Peroxisome biogenesis disorder, complementation group 7 (CG7). Also called: Peroxisome biogenesis disorder, complementation group B. Identifiers: MedGen C1864399.

Submission:

Labcorp Genetics (formerly Invitae), Labcorp
Classification: Uncertain significance for Peroxisome biogenesis disorder, complementation group 7. Last evaluated: 2021-09-01. Review status: criteria provided, single submitter. Criteria: Invitae Variant Classification Sherloc (09022015). Collection method: clinical testing. Allele origin: germline.
Comment: This sequence change replaces aspartic acid with asparagine at codon 54 of the PEX10 protein (p.Asp54Asn). The aspartic acid residue is highly conserved and there is a small physicochemical difference between aspartic acid and asparagine. This variant is not present in population databases (ExAC no frequency). This variant has not been reported in the literature in individuals affected with PEX10-related conditions. Algorithms developed to predict the effect of missense changes on protein structure and function are either unavailable or do not agree on the potential impact of this missense change (SIFT: "Deleterious"; PolyPhen-2: "Probably Damaging"; Align-GVGD: "Class C0"). In summary, the available evidence is currently insufficient to determine the role of this variant in disease. Therefore, it has been classified as a Variant of Uncertain Significance.

NM_002617.4(PEX10):c.160G>A (p.Asp54Asn)

Gene: PEX10 (peroxisomal biogenesis factor 10; minus strand). Cytogenetic location: 1p36.32.
Variant type: single nucleotide variant.
Coding change: c.160G>A on transcript NM_002617.4 (MANE Select); coding-DNA position 160, G replaced by A.
Protein change: p.Asp54Asn; replaces aspartic acid 54 with asparagine.
Molecular consequence: missense variant. On other transcripts: 5 prime UTR variant (2), non-coding transcript variant (1).
Genome position (GRCh38, 1-based): chr1:2,410,404, C>T on the plus strand (G>A on the coding strand, the complement: PEX10 is on the minus strand). VCF-style: chr1-2410404-C-T. GRCh37 (hg19) VCF-style: chr1-2341843-C-T.
Other names: c.160G>A, p.Asp54Asn (NM_001374425.1, NM_153818.2); c.-273G>A (NM_001374426.1, NM_001374427.1); short protein forms D54N.
Identifiers: ClinVar variation 1009434 (VCV001009434.2), dbSNP rs1289859085, ClinGen allele CA337989365.
Genomic context (GRCh38, chr1:2,410,404, plus strand): 5'-GTCCTGAGGTCCCGTGGGAGCTTCTACCTGCAAGTGTGGTGAGGCCAAAGTAGGCCACAT[C>T]TGAGAGCAGCTCAACCTCCTTCCTCCACTCCAGCCACTTCCTCGCACCTGAGAGGAGAAA-3'
Protein context (NP_002608.1, residues 44-64): EWRKEVELLS[Asp54Asn]VAYFGLTTLA